The following is an entry in ClinVar:

ClinVar aggregate classification (germline): Uncertain significance (1 of 4 stars; one submission).

Conditions:
Hereditary spastic paraplegia 30. Identifiers: Orphanet 101010, MedGen C5235139, MONDO:0012476.
Neuropathy, hereditary sensory, type 2C. Also called: Hereditary sensory and autonomic neuropathy type IIC; KIF1A-Related HSAN2 (HSAN2C). Identifiers: Orphanet 970, MedGen C3280168, MONDO:0013634, OMIM 614213.
Intellectual disability, autosomal dominant 9 (NESCAVS). Also called: NESCAV SYNDROME; KIF1A-Related Neurodevelopmental Disorder. Identifiers: Orphanet 662367, MedGen C5393830, MONDO:0013656, OMIM 614255.

Submission:

Labcorp Genetics (formerly Invitae), Labcorp
Classification: Uncertain significance for Hereditary spastic paraplegia 30; Neuropathy, hereditary sensory, type 2C; Intellectual disability, autosomal dominant 9. Last evaluated: 2021-04-22. Review status: criteria provided, single submitter. Criteria: Invitae Variant Classification Sherloc (09022015). Collection method: clinical testing. Allele origin: germline.
Comment: In summary, the available evidence is currently insufficient to determine the role of this variant in disease. Therefore, it has been classified as a Variant of Uncertain Significance. Advanced modeling of protein sequence and biophysical properties (such as structural, functional, and spatial information, amino acid conservation, physicochemical variation, residue mobility, and thermodynamic stability) performed at Invitae indicates that this missense variant is not expected to disrupt KIF1A protein function. This variant has not been reported in the literature in individuals with KIF1A-related conditions. This variant is not present in population databases (ExAC no frequency). This sequence change replaces glutamine with arginine at codon 947 of the KIF1A protein (p.Gln947Arg). The glutamine residue is highly conserved and there is a small physicochemical difference between glutamine and arginine.

NM_001244008.2(KIF1A):c.3143A>G (p.Gln1048Arg)

Gene: KIF1A (kinesin family member 1A; minus strand). Cytogenetic location: 2q37.3.
Variant type: single nucleotide variant.
Coding change: c.3143A>G on transcript NM_001244008.2 (MANE Select); coding-DNA position 3143, A replaced by G.
Protein change: p.Gln1048Arg; replaces glutamine 1048 with arginine.
Molecular consequence: missense variant.
Genome position (GRCh38, 1-based): chr2:240,746,098, T>C on the plus strand (A>G on the coding strand, the complement: KIF1A is on the minus strand). VCF-style: chr2-240746098-T-C. GRCh37 (hg19) VCF-style: chr2-241685515-T-C.
Other names: c.2867A>G, p.Gln956Arg (NM_001320705.2, NM_001330289.2, NM_001379638.1); c.2942A>G, p.Gln981Arg (NM_001330290.2, NM_001379634.1, NM_001379635.1 and 1 more transcripts); c.3218A>G, p.Gln1073Arg (NM_001379631.1); c.3092A>G, p.Gln1031Arg (NM_001379632.1); c.3116A>G, p.Gln1039Arg (NM_001379633.1, NM_001379642.1, NM_001379645.1); c.2840A>G, p.Gln947Arg (NM_001379636.1, NM_001379639.1, NM_001379640.1 and 6 more transcripts); c.2915A>G, p.Gln972Arg (NM_001379637.1, NM_001379648.1); short protein forms Q1031R, Q956R, Q981R, Q1039R, Q947R, Q972R, Q1048R, Q1073R.
Identifiers: ClinVar variation 1426792 (VCV001426792.8), dbSNP rs2125793579, ClinGen allele CA351318872.